The following is an entry in ClinVar:

NM_014865.4(NCAPD2):c.8C>A (p.Pro3His)

Gene: NCAPD2 (non-SMC condensin I complex subunit D2; plus strand). Cytogenetic location: 12p13.31.
Variant type: single nucleotide variant.
Coding change: c.8C>A on transcript NM_014865.4 (MANE Select); coding-DNA position 8, C replaced by A.
Protein change: p.Pro3His; replaces proline 3 with histidine.
Molecular consequence: missense variant.
Genome position (GRCh38, 1-based): chr12:6,495,106, C>A. VCF-style: chr12-6495106-C-A. GRCh37 (hg19) VCF-style: chr12-6604272-C-A.
Other names: short protein forms P3H.
Identifiers: ClinVar variation 2225476 (VCV002225476.4), dbSNP rs144221350, ClinGen allele CA6407906.

ClinVar aggregate classification (germline): Likely benign. Review status: criteria provided, single submitter (1 of 4 stars). 2 submissions from 2 submitters: Likely benign (1). 1 of the submissions does not count toward it. Last evaluated 2022-05-10.

Conditions:
Inborn genetic diseases. Identifiers: MedGen C0950123, MeSH D030342.
NCAPD2-related disorder. Also called: NCAPD2-related condition.

Allele frequency attached by ClinVar (database versions not stated): ExAC 0.00038; ESP Exome Variant Server 0.00085; TOPMed 0.00107; 1000 Genomes Project 30x 0.00250; 1000 Genomes Project 0.00260.
gnomAD v4.1: 322 of 1,614,094 alleles (0.02%); highest among the groups gnomAD compares: African/African-American, 0.37%; no homozygotes.

Submissions (2):

Ambry Genetics
Classification: Likely benign for Inborn genetic diseases. Last evaluated: 2022-05-10. Review status: criteria provided, single submitter. Criteria: Ambry Variant Classification Scheme 2023. Collection method: clinical testing. Allele origin: germline.

PreventionGenetics, part of Exact Sciences
Classification: Likely benign for NCAPD2-related condition. Last evaluated: 2022-02-15. Review status: no assertion criteria provided. Collection method: clinical testing. Allele origin: germline. Not counted in ClinVar's aggregate classification.
Comment: This variant is classified as likely benign based on ACMG/AMP sequence variant interpretation guidelines (Richards et al. 2015 PMID: 25741868, with internal and published modifications).